The following is an entry in ClinVar:

ClinVar aggregate classification (germline): Pathogenic (1 of 4 stars; one submission).

Conditions:
Glycine encephalopathy 1 (GCE1). Identifiers: MedGen CN376801, MONDO:0958179, OMIM 605899.

Submission:

Myriad Genetics, Inc.
Classification: Pathogenic for Glycine encephalopathy 1. Last evaluated: 2025-06-02. Review status: criteria provided, single submitter. Criteria: Myriad Autosomal Dominant, Autosomal Recessive and X-Linked Classification Criteria (2023). Collection method: clinical testing. Allele origin: unknown.
Comment: NM_000170.2(GLDC):c.468delA(W157Gfs*74) is expected to be pathogenic in the context of glycine encephalopathy, GLDC-related. This variant is predicted to lead to an abnormal or absent protein product due to the creation of a premature termination codon in GLDC, a gene where loss-of-function variants are known to be pathogenic. Please note: this variant was assessed in the context of healthy population screening.

NM_000170.3(GLDC):c.468del (p.Trp157fs)

Gene: GLDC (glycine decarboxylase; minus strand). Cytogenetic location: 9p24.1.
Variant type: Deletion.
Coding change: c.468del on transcript NM_000170.3 (MANE Select); coding-DNA position 468, one base deleted (A; older notation c.468delA).
Protein change: p.Trp157fs; shifts the reading frame from tryptophan 157.
Molecular consequence: frameshift variant.
Genome position (GRCh38, 1-based): chr9:6,620,186, T deleted on the plus strand (A on the coding strand, the reverse complement: GLDC is on the minus strand). VCF-style (leftmost placement, unchanged base first): chr9-6620185-AT-A. GRCh37 (hg19) VCF-style: chr9-6620185-AT-A.
Other names: short protein forms W157fs.
Identifiers: ClinVar variation 5014549 (VCV005014549.1).